The following continues an entry in ClinVar:

NM_015346.4(ZFYVE26):c.3365C>T (p.Ala1122Val)

Gene: ZFYVE26. ClinVar aggregate classification (germline): Benign/Likely benign. Benign (8); Likely benign (1).

Submissions 29 to 46 of 46:

Dr. Peter K. Rogan Lab, Western University
No classification provided (evidence only). Condition: Cervical cancer. Review status: no classification provided. Collection method: in vitro. Allele origin: not applicable. Functional consequence: skipped exon, retained intron. Not counted in ClinVar's aggregate classification.

Dr. Peter K. Rogan Lab, Western University
No classification provided (evidence only). Condition: Cervical cancer. Review status: no classification provided. Collection method: in vitro. Allele origin: not applicable. Functional consequence: retained intron. Not counted in ClinVar's aggregate classification.

Dr. Peter K. Rogan Lab, Western University
No classification provided (evidence only). Condition: Sarcoma. Review status: no classification provided. Collection method: in vitro. Allele origin: not applicable. Functional consequence: retained intron. Not counted in ClinVar's aggregate classification.

Dr. Peter K. Rogan Lab, Western University
No classification provided (evidence only). Condition: Sarcoma. Review status: no classification provided. Collection method: in vitro. Allele origin: not applicable. Functional consequence: skipped exon. Not counted in ClinVar's aggregate classification.

Dr. Peter K. Rogan Lab, Western University
No classification provided (evidence only). Condition: Nonpapillary renal cell carcinoma. Review status: no classification provided. Collection method: in vitro. Allele origin: not applicable. Functional consequence: retained intron. Not counted in ClinVar's aggregate classification.

Dr. Peter K. Rogan Lab, Western University
No classification provided (evidence only). Condition: Gastric cancer. Review status: no classification provided. Collection method: in vitro. Allele origin: not applicable. Functional consequence: retained intron. Not counted in ClinVar's aggregate classification.

Dr. Peter K. Rogan Lab, Western University
No classification provided (evidence only). Condition: Gastric cancer. Review status: no classification provided. Collection method: in vitro. Allele origin: not applicable. Functional consequence: retained intron. Not counted in ClinVar's aggregate classification.

Dr. Peter K. Rogan Lab, Western University
No classification provided (evidence only). Condition: Gastric cancer. Review status: no classification provided. Collection method: in vitro. Allele origin: not applicable. Functional consequence: retained intron. Not counted in ClinVar's aggregate classification.

Dr. Peter K. Rogan Lab, Western University
No classification provided (evidence only). Condition: Gastric cancer. Review status: no classification provided. Collection method: in vitro. Allele origin: not applicable. Functional consequence: retained intron. Not counted in ClinVar's aggregate classification.

Dr. Peter K. Rogan Lab, Western University
No classification provided (evidence only). Condition: Gastric cancer. Review status: no classification provided. Collection method: in vitro. Allele origin: not applicable. Functional consequence: retained intron. Not counted in ClinVar's aggregate classification.

Dr. Peter K. Rogan Lab, Western University
No classification provided (evidence only). Condition: Gastric cancer. Review status: no classification provided. Collection method: in vitro. Allele origin: not applicable. Functional consequence: retained intron. Not counted in ClinVar's aggregate classification.

Dr. Peter K. Rogan Lab, Western University
No classification provided (evidence only). Condition: Malignant tumor of esophagus. Review status: no classification provided. Collection method: in vitro. Allele origin: not applicable. Functional consequence: skipped exon. Not counted in ClinVar's aggregate classification.

Dr. Peter K. Rogan Lab, Western University
No classification provided (evidence only). Condition: Malignant tumor of esophagus. Review status: no classification provided. Collection method: in vitro. Allele origin: not applicable. Functional consequence: skipped exon. Not counted in ClinVar's aggregate classification.

Dr. Peter K. Rogan Lab, Western University
No classification provided (evidence only). Condition: Malignant tumor of esophagus. Review status: no classification provided. Collection method: in vitro. Allele origin: not applicable. Functional consequence: skipped exon. Not counted in ClinVar's aggregate classification.

Dr. Peter K. Rogan Lab, Western University
No classification provided (evidence only). Condition: Malignant tumor of esophagus. Review status: no classification provided. Collection method: in vitro. Allele origin: not applicable. Functional consequence: skipped exon. Not counted in ClinVar's aggregate classification.

Genetic Services Laboratory, University of Chicago
Classification: Likely benign for AllHighlyPenetrant. Review status: no assertion criteria provided. Collection method: clinical testing. Allele origin: germline. Inheritance: Autosomal recessive inheritance. Not counted in ClinVar's aggregate classification.
Comment: Likely benign based on allele frequency in 1000 Genomes Project or ESP global frequency and its presence in a patient with a rare or unrelated disease phenotype. NOT Sanger confirmed.

Joint Genome Diagnostic Labs from Nijmegen and Maastricht, Radboudumc and MUMC+
Classification: Benign. Review status: no assertion criteria provided. Collection method: clinical testing. Allele origin: germline. Affected: yes. Study: VKGL Data-share Consensus. Not counted in ClinVar's aggregate classification.

Laboratory of Diagnostic Genome Analysis, Leiden University Medical Center (LUMC)
Classification: Likely benign. Review status: no assertion criteria provided. Collection method: clinical testing. Allele origin: germline. Affected: yes. Study: VKGL Data-share Consensus. Not counted in ClinVar's aggregate classification.